The following is an entry in ClinVar:

ClinVar aggregate classification (germline): Uncertain significance (1 of 4 stars; one submission).

Conditions:
PSMD12-related disorder. Also called: PSMD12-related condition.

Submission:

PreventionGenetics, part of Exact Sciences
Classification: Uncertain significance for PSMD12-related condition. Last evaluated: 2026-09-02. Review status: criteria provided, single submitter. Criteria: ACMG Guidelines, 2015. Collection method: clinical testing. Allele origin: germline.
Comment: The PSMD12 c.484G>C variant is predicted to result in the amino acid substitution p.Ala162Pro. To our knowledge, this variant has not been reported in the literature or in a large population database (gnomAD), indicating this variant is rare. At this time, the clinical significance of this variant is uncertain due to the absence of conclusive functional and genetic evidence.

NM_002816.5(PSMD12):c.484G>C (p.Ala162Pro)

Gene: PSMD12 (proteasome 26S subunit, non-ATPase 12; minus strand). Cytogenetic location: 17q24.2.
Variant type: single nucleotide variant.
Coding change: c.484G>C on transcript NM_002816.5 (MANE Select); coding-DNA position 484, G replaced by C.
Protein change: p.Ala162Pro; replaces alanine 162 with proline.
Molecular consequence: missense variant.
Genome position (GRCh38, 1-based): chr17:67,348,576, C>G on the plus strand (G>C on the coding strand, the complement: PSMD12 is on the minus strand). VCF-style: chr17-67348576-C-G. GRCh37 (hg19) VCF-style: chr17-65344692-C-G.
Other names: c.307G>C, p.Ala103Pro (NM_001316341.2); c.424G>C, p.Ala142Pro (NM_174871.4); short protein forms A142P, A162P, A103P.
Identifiers: ClinVar variation 4993941 (VCV004993941.1).